The following is an entry in ClinVar:

GRCh38/hg38 8p23.3-23.2(chr8:219853-3814398)x1

Genes: MIR3674 (microRNA 3674; plus strand), MIR596 (microRNA 596; plus strand), MIR7160 (microRNA 7160; plus strand), MYOM2 (myomesin 2; plus strand), TDRP (testis development related protein; minus strand) and 65 more. Cytogenetic location: 8p23.3-23.2.
Variant type: copy number loss.
Change: copy number 1 (one copy instead of two) of chr8:219,853-3,814,398 (3.59 Mb, GRCh38 coordinates, 1-based), cytogenetic band 8p23.3-23.2.
Identifiers: ClinVar variation 60329 (VCV000060329.3).

ClinVar aggregate classification (germline): Pathogenic (1 of 4 stars; one submission).

Submission:

ISCA Site 6
Classification: Pathogenic. Last evaluated: 2011-08-12. Review status: criteria provided, single submitter. Criteria: Kaminsky et al. (Genet Med. 2011). Collection method: clinical testing. Allele origin: unknown. Affected: yes. Observed: 1 variant allele.
Comment: Copy number variation identified through the course of routine clinical cytogenomic testing in postnatal populations. Clinical assertions have been curated as described in Kaminsky et al. 2011.